The following is an entry in ClinVar:

ClinVar aggregate classification (germline): Uncertain significance (1 of 4 stars; one submission).

Conditions:
Cardiovascular phenotype. Identifiers: MedGen CN230736.

gnomAD v4.1: 1 of 1,613,630 alleles (0.000062%); highest among the groups gnomAD compares: Non-Finnish European, 0.000085%; no homozygotes.

Submission:

Ambry Genetics
Classification: Uncertain significance for Cardiovascular phenotype. Last evaluated: 2025-10-05. Review status: criteria provided, single submitter. Criteria: Ambry Variant Classification Scheme 2023. Collection method: clinical testing. Allele origin: germline.
Comment: The p.L355M variant (also known as c.1063C>A), located in coding exon 2 of the JPH2 gene, results from a C to A substitution at nucleotide position 1063. The leucine at codon 355 is replaced by methionine, an amino acid with highly similar properties. This amino acid position is conserved. In addition, this alteration is predicted to be tolerated by in silico analysis. Based on the available evidence, the clinical significance of this variant remains unclear.

NM_020433.5(JPH2):c.1063C>A (p.Leu355Met)

Gene: JPH2 (junctophilin 2; minus strand). Cytogenetic location: 20q13.12.
Variant type: single nucleotide variant.
Coding change: c.1063C>A on transcript NM_020433.5 (MANE Select); coding-DNA position 1063, C replaced by A.
Protein change: p.Leu355Met; replaces leucine 355 with methionine.
Molecular consequence: missense variant.
Genome position (GRCh38, 1-based): chr20:44,159,724, G>T on the plus strand (C>A on the coding strand, the complement: JPH2 is on the minus strand). VCF-style: chr20-44159724-G-T. GRCh37 (hg19) VCF-style: chr20-42788364-G-T.
Other names: short protein forms L355M.
Identifiers: ClinVar variation 4614302 (VCV004614302.1).